The following is an entry in ClinVar:

ClinVar aggregate classification (germline): Uncertain significance (1 of 4 stars; one submission).

Submission:

Dasa
Classification: Uncertain significance. Last evaluated: 2026-07-04. Review status: criteria provided, single submitter. Criteria: DASA Assertion Criteria. Collection method: clinical testing. Allele origin: germline.
Comment: NM_181552.4(CUX1):c.184G>C (p.Gly62Arg) is a missense variant that results in the substitution of glycine with arginine. This variant is absent from population databases. The currently available literature and clinical evidence are not sufficient to establish a definitive association between this variant and the reported condition. Therefore, this variant is classified as a variant of uncertain significance.

NM_181552.4(CUX1):c.184G>C (p.Gly62Arg)

Gene: CUX1 (cut like homeobox 1; plus strand). Cytogenetic location: 7q22.1.
Variant type: single nucleotide variant.
Coding change: c.184G>C on transcript NM_181552.4 (MANE Select); coding-DNA position 184, G replaced by C.
Protein change: p.Gly62Arg; replaces glycine 62 with arginine.
Molecular consequence: missense variant. On other transcripts: intron variant (1).
Genome position (GRCh38, 1-based): chr7:102,028,140, G>C. VCF-style: chr7-102028140-G-C. GRCh37 (hg19) VCF-style: chr7-101671420-G-C.
Other names: c.217G>C, p.Gly73Arg (NM_001202543.2, NM_001202545.3, NM_001913.5 and 1 more transcripts); c.106G>C, p.Gly36Arg (NM_001202546.3); c.175-42199G>C (NM_001202544.3); short protein forms G36R, G62R, G73R.
Identifiers: ClinVar variation 5020257 (VCV005020257.1).